The following is an entry in ClinVar:

NM_177972.3(TUB):c.83A>G (p.Asp28Gly)

Gene: TUB (TUB bipartite transcription factor; plus strand). Cytogenetic location: 11p15.4.
Variant type: single nucleotide variant.
Coding change: c.83A>G on transcript NM_177972.3 (MANE Select); coding-DNA position 83, A replaced by G.
Protein change: p.Asp28Gly; replaces aspartic acid 28 with glycine.
Molecular consequence: missense variant.
Genome position (GRCh38, 1-based): chr11:8,089,654, A>G. VCF-style: chr11-8089654-A-G. GRCh37 (hg19) VCF-style: chr11-8111201-A-G.
Other names: c.248A>G, p.Asp83Gly (NM_003320.5); short protein forms D83G, D28G.
Identifiers: ClinVar variation 1511966 (VCV001511966.6), dbSNP rs2133832270, ClinGen allele CA379562428.

ClinVar aggregate classification (germline): Uncertain significance (1 of 4 stars; one submission).

Allele frequency attached by ClinVar (database versions not stated): gnomAD exomes below 0.00001.
gnomAD v4.1: 2 of 1,614,170 alleles (0.00012%); highest among the groups gnomAD compares: East Asian, 0.0045%; no homozygotes.

Submission:

Labcorp Genetics (formerly Invitae), Labcorp
Classification: Uncertain significance. Last evaluated: 2025-11-03. Review status: criteria provided, single submitter. Criteria: Invitae Variant Classification Sherloc (09022015). Collection method: clinical testing. Allele origin: germline.
Comment: This sequence change replaces aspartic acid, which is acidic and polar, with glycine, which is neutral and non-polar, at codon 83 of the TUB protein (p.Asp83Gly). This variant is not present in population databases (gnomAD no frequency). This variant has not been reported in the literature in individuals affected with TUB-related conditions. ClinVar contains an entry for this variant (Variation ID: 1511966). An algorithm developed to predict the effect of missense changes on protein structure and function (PolyPhen-2) suggests that this variant is likely to be tolerated. In summary, the available evidence is currently insufficient to determine the role of this variant in disease. Therefore, it has been classified as a Variant of Uncertain Significance.